The following is an entry in ClinVar:

ClinVar aggregate classification (germline): Likely benign (0 of 4 stars; one submission).

Conditions:
BCL11A-related disorder. Also called: BCL11A-related condition.

Submission:

PreventionGenetics, part of Exact Sciences
Classification: Likely benign for BCL11A-related condition. Last evaluated: 2024-06-06. Review status: no assertion criteria provided. Collection method: clinical testing. Allele origin: germline.
Comment: This variant is classified as likely benign based on ACMG/AMP sequence variant interpretation guidelines (Richards et al. 2015 PMID: 25741868, with internal and published modifications).

NM_022893.4(BCL11A):c.789C>A (p.Pro263=)

Gene: BCL11A (BCL11 transcription factor A; minus strand). Cytogenetic location: 2p16.1.
Variant type: single nucleotide variant.
Coding change: c.789C>A on transcript NM_022893.4 (MANE Select); coding-DNA position 789, C replaced by A.
Protein change: p.Pro263=; no amino-acid change (proline 263 retained).
Molecular consequence: synonymous variant. On other transcripts: intron variant (9).
Genome position (GRCh38, 1-based): chr2:60,462,123, G>T on the plus strand (C>A on the coding strand, the complement: BCL11A is on the minus strand). VCF-style: chr2-60462123-G-T. GRCh37 (hg19) VCF-style: chr2-60689258-G-T.
Other names: c.687C>A, p.Pro229= (NM_001363864.1, NM_001365609.1, NM_001405711.1 and 2 more transcripts); c.789C>A, p.Pro263= (NM_001405708.1, NM_001405709.1, NM_001405710.1 and 1 more transcripts); c.633C>A, p.Pro211= (NM_001405713.1, NM_001405714.1, NM_001405715.1 and 3 more transcripts); c.531C>A, p.Pro177= (NM_001405717.1, NM_001405718.1, NM_001405724.1); c.456C>A, p.Pro152= (NM_001405720.1, NM_001405721.1); c.333C>A, p.Pro111= (NM_001405725.1, NM_001405726.1, NM_001405727.1 and 1 more transcripts); c.630+159C>A (NM_138559.2, NM_001405732.1, NM_001405730.1); c.528+159C>A (NM_001405733.1); and 3 more.
Identifiers: ClinVar variation 3344768 (VCV003344768.1).
Genomic context (GRCh38, chr2:60,462,123, plus strand): 5'-CCCCAGGCGCTCTATGCGGTGGGGGTCCAAGTGATGTCTCGGTGGTGGACTAAACAGGGG[G>T]GGAGTGGGTGGAAAGCGCCCTTCTGCCAGGCCGGAAGCCTCTCTCGATACTGATCCTGGT-3'
Protein context (NP_075044.2, residues 253-273): GLAEGRFPPT[Pro263=]PLFSPPPRHH